The following is an entry in ClinVar:

NM_001256627.2(BRSK2):c.458ACA[1] (p.Asn154del)

Gene: BRSK2 (BR serine/threonine kinase 2; plus strand). Cytogenetic location: 11p15.5.
Variant type: Microsatellite.
Coding change: c.458ACA[1] on transcript NM_001256627.2 (MANE Select); one copy of the 3-base unit ACA starting at c.458; the reference has two copies in a row; one copy, 3 bases deleted.
Protein change: p.Asn154del; deletes asparagine 154.
Molecular consequence: inframe deletion. On other transcripts: non-coding transcript variant (1).
Genome position (GRCh38, 1-based): chr11:1,442,537-1,442,539, ACA deleted; deleting any 3 consecutive bases within chr11:1,442,533-1,442,539 gives the same sequence; the position shown is the placement nearest the transcript's 3' end. VCF-style (leftmost placement, unchanged base first): chr11-1442532-GAAC-G. GRCh37 (hg19) VCF-style: chr11-1463762-GAAC-G.
Other names: c.458ACA[1], p.Asn154del (NM_001256629.2, NM_003957.4); c.596ACA[1], p.Asn200del (NM_001256630.1); c.278ACA[1], p.Asn94del (NM_001282218.2); short protein forms N154del, N200del, N94del.
Identifiers: ClinVar variation 1722833 (VCV001722833.2), dbSNP rs2539469521, ClinGen allele CA2580616891.

ClinVar aggregate classification (germline): Uncertain significance (1 of 4 stars; one submission).

Submission:

GeneDx
Classification: Uncertain significance. Last evaluated: 2022-05-04. Review status: criteria provided, single submitter. Criteria: GeneDx Variant Classification Process June 2021. Collection method: clinical testing. Allele origin: germline. Affected: yes.
Comment: Not observed at significant frequency in large population cohorts (gnomAD); In-frame deletion of 1 amino acid in a non-repeat region; In silico analysis supports a deleterious effect on protein structure/function; Has not been previously published as pathogenic or benign to our knowledge